The following is an entry in ClinVar:

NM_174952.3(STPG2):c.531C>T (p.Asn177=)

Gene: STPG2 (sperm tail PG-rich repeat containing 2; minus strand). Cytogenetic location: 4q23.
Variant type: single nucleotide variant.
Coding change: c.531C>T on transcript NM_174952.3 (MANE Select); coding-DNA position 531, C replaced by T.
Protein change: p.Asn177=; no amino-acid change (asparagine 177 retained).
Molecular consequence: synonymous variant.
Genome position (GRCh38, 1-based): chr4:98,106,034, G>A on the plus strand (C>T on the coding strand, the complement: STPG2 is on the minus strand). VCF-style: chr4-98106034-G-A. GRCh37 (hg19) VCF-style: chr4-99027185-G-A.
Identifiers: ClinVar variation 2654960 (VCV002654960.24), dbSNP rs755340295, ClinGen allele CA3016736.

ClinVar aggregate classification (germline): Likely benign (1 of 4 stars; one submission).

Allele frequency attached by ClinVar (database versions not stated): gnomAD 0.00009; TOPMed 0.00010; ExAC 0.00015.
gnomAD v4.1: 84 of 1,488,368 alleles (0.0056%); highest among the groups gnomAD compares: Middle Eastern, 0.12%; no homozygotes.

Submission:

CeGaT Center for Human Genetics Tuebingen
Classification: Likely benign. Last evaluated: 2022-12-01. Review status: criteria provided, single submitter. Criteria: CeGaT Center For Human Genetics Tuebingen Variant Classification Criteria Version 2. Collection method: clinical testing. Allele origin: germline. Affected: yes. Observed: 1 variant allele.
Comment: STPG2: BP4, BP7